The following is an entry in ClinVar:

ClinVar aggregate classification (germline): Uncertain significance (1 of 4 stars; one submission).

Conditions:
DKC1-related disorder. Also called: DKC1-related condition. Identifiers: MedGen CN294808, MONDO:0100152.

Allele frequency attached by ClinVar (database versions not stated): gnomAD exomes below 0.00001; TOPMed 0.00002.
gnomAD v4.1: 3 of 1,209,332 alleles (0.00025%); highest among the groups gnomAD compares: Admixed American, 0.0022%; no homozygotes.

Submission:

PreventionGenetics, part of Exact Sciences
Classification: Uncertain significance for DKC1-related condition. Last evaluated: 2023-08-15. Review status: criteria provided, single submitter. Criteria: ACMG Guidelines, 2015. Collection method: clinical testing. Allele origin: germline.
Comment: The DKC1 c.199A>G variant is predicted to result in the amino acid substitution p.Thr67Ala. To our knowledge, this variant has not been reported in the literature. This variant is reported in 0.0036% of alleles in individuals of Latino descent in gnomAD. At this time, the clinical significance of this variant is uncertain due to the absence of conclusive functional and genetic evidence.

NM_001363.5(DKC1):c.199A>G (p.Thr67Ala)

Gene: DKC1 (dyskerin pseudouridine synthase 1; plus strand). Cytogenetic location: Xq28.
Variant type: single nucleotide variant.
Coding change: c.199A>G on transcript NM_001363.5 (MANE Select); coding-DNA position 199, A replaced by G.
Protein change: p.Thr67Ala; replaces threonine 67 with alanine.
Molecular consequence: missense variant. On other transcripts: non-coding transcript variant (3).
Genome position (GRCh38, 1-based): chrX:154,765,934, A>G. VCF-style: chrX-154765934-A-G. GRCh37 (hg19) VCF-style: chrX-153994209-A-G.
Other names: c.199A>G, p.Thr67Ala (NM_001142463.3, NM_001288747.2); short protein forms T67A.
Identifiers: ClinVar variation 2628809 (VCV002628809.1), dbSNP rs1557264100, ClinGen allele CA414889367.